The following is an entry in ClinVar:

NM_080680.3(COL11A2):c.4207G>A (p.Asp1403Asn)

Gene: COL11A2 (collagen type XI alpha 2 chain; minus strand). Cytogenetic location: 6p21.32.
Variant type: single nucleotide variant.
Coding change: c.4207G>A on transcript NM_080680.3 (MANE Select); coding-DNA position 4207, G replaced by A.
Protein change: p.Asp1403Asn; replaces aspartic acid 1403 with asparagine.
Molecular consequence: missense variant.
Genome position (GRCh38, 1-based): chr6:33,167,093, C>T on the plus strand (G>A on the coding strand, the complement: COL11A2 is on the minus strand). VCF-style: chr6-33167093-C-T. GRCh37 (hg19) VCF-style: chr6-33134870-C-T.
Other names: c.4207G>A (NM_080680.2); c.4027G>A, p.Asp1343Asn (NM_001424108.1); c.3361G>A, p.Asp1121Asn (NM_001424109.1); c.3181G>A, p.Asp1061Asn (NM_001424110.1, NM_001424111.1); c.2161G>A, p.Asp721Asn (NM_001424112.1); c.3886G>A, p.Asp1296Asn (NM_080679.3); c.3949G>A, p.Asp1317Asn (NM_080681.3); short protein forms D1061N, D1121N, D1343N, D1403N, D1317N, D721N, D1296N.
Identifiers: ClinVar variation 3016538 (VCV003016538.4), dbSNP rs1010102698, ClinGen allele CA137062891.

ClinVar aggregate classification (germline): Uncertain significance. Review status: criteria provided, multiple submitters, no conflicts (2 of 4 stars). 2 submissions from 2 submitters: Uncertain significance (2). Last evaluated 2025-01-29.

Allele frequency attached by ClinVar (database versions not stated): TOPMed below 0.00001; gnomAD 0.00001; gnomAD exomes 0.00001.
gnomAD v4.1: 16 of 1,613,922 alleles (0.00099%); highest among the groups gnomAD compares: East Asian, 0.0022%; no homozygotes.

Submissions (2):

Labcorp Genetics (formerly Invitae), Labcorp
Classification: Uncertain significance. Last evaluated: 2025-01-29. Review status: criteria provided, single submitter. Criteria: Invitae Variant Classification Sherloc (09022015). Collection method: clinical testing. Allele origin: germline.
Comment: This sequence change replaces aspartic acid, which is acidic and polar, with asparagine, which is neutral and polar, at codon 1403 of the COL11A2 protein (p.Asp1403Asn). This variant is present in population databases (no rsID available, gnomAD 0.007%). This variant has not been reported in the literature in individuals affected with COL11A2-related conditions. ClinVar contains an entry for this variant (Variation ID: 3016538). Invitae Evidence Modeling of protein sequence and biophysical properties (such as structural, functional, and spatial information, amino acid conservation, physicochemical variation, residue mobility, and thermodynamic stability) indicates that this missense variant is not expected to disrupt COL11A2 protein function with a negative predictive value of 95%. In summary, the available evidence is currently insufficient to determine the role of this variant in disease. Therefore, it has been classified as a Variant of Uncertain Significance.

GeneDx
Classification: Uncertain significance. Last evaluated: 2024-06-21. Review status: criteria provided, single submitter. Criteria: GeneDx Variant Classification Process June 2021. Collection method: clinical testing. Allele origin: germline. Affected: yes.
Comment: Not observed at significant frequency in large population cohorts (gnomAD); In silico analysis supports that this missense variant has a deleterious effect on protein structure/function; Has not been previously published as pathogenic or benign to our knowledge